The following is an entry in ClinVar:

ClinVar aggregate classification (germline): Uncertain significance (1 of 4 stars; one submission).

Conditions:
Emery-Dreifuss muscular dystrophy 5, autosomal dominant (EDMD5). Also called: EMERY-DREIFUSS MUSCULAR DYSTROPHY 5. Identifiers: Orphanet 261, MedGen C2751805, MONDO:0013072, OMIM 612999.

Allele frequency attached by ClinVar (database versions not stated): TOPMed below 0.00001; gnomAD exomes 0.00001 and 0.00002; ExAC 0.00002.
gnomAD v4.1: 5 of 1,612,400 alleles (0.00031%); highest among the groups gnomAD compares: South Asian, 0.0022%; 1 homozygote.

Submission:

Labcorp Genetics (formerly Invitae), Labcorp
Classification: Uncertain significance for Emery-Dreifuss muscular dystrophy 5, autosomal dominant. Last evaluated: 2020-02-02. Review status: criteria provided, single submitter. Criteria: Invitae Variant Classification Sherloc (09022015). Collection method: clinical testing. Allele origin: germline.
Comment: This variant is present in population databases (rs777663838, ExAC 0.01%). This variant has not been reported in the literature in individuals with SYNE2-related conditions. Algorithms developed to predict the effect of missense changes on protein structure and function output the following: SIFT: "Tolerated"; PolyPhen-2: "Benign"; Align-GVGD: "Class C0". The phenylalanine amino acid residue is found in multiple mammalian species, suggesting that this missense change does not adversely affect protein function. These predictions have not been confirmed by published functional studies and their clinical significance is uncertain. In summary, the available evidence is currently insufficient to determine the role of this variant in disease. Therefore, it has been classified as a Variant of Uncertain Significance. This sequence change replaces serine with phenylalanine at codon 413 of the SYNE2 protein (p.Ser413Phe). The serine residue is weakly conserved and there is a large physicochemical difference between serine and phenylalanine.

NM_182914.3(SYNE2):c.1238C>T (p.Ser413Phe)

Gene: SYNE2 (spectrin repeat containing nuclear envelope protein 2; plus strand). Cytogenetic location: 14q23.2.
Variant type: single nucleotide variant.
Coding change: c.1238C>T on transcript NM_182914.3 (MANE Select); coding-DNA position 1238, C replaced by T.
Protein change: p.Ser413Phe; replaces serine 413 with phenylalanine.
Molecular consequence: missense variant.
Genome position (GRCh38, 1-based): chr14:63,976,672, C>T. VCF-style: chr14-63976672-C-T. GRCh37 (hg19) VCF-style: chr14-64443390-C-T.
Other names: c.1238C>T, p.Ser413Phe (NM_015180.6); short protein forms S413F.
Identifiers: ClinVar variation 1016449 (VCV001016449.9), dbSNP rs777663838, ClinGen allele CA7219370.
Genomic context (GRCh38, chr14:63,976,672, plus strand): 5'-ATCAAACTGAAGCTTGGCTCCAGGAGGTAGAAGAGCTTATGGATGAAGATTTGTCAGCCT[C>T]CCAGGATCACTCTCAAGCCGTGACTCTGATACAAGAGAAAATGACTTTATTCAAGGTTGG-3'
Protein context (NP_878918.2, residues 403-423): EELMDEDLSA[Ser413Phe]QDHSQAVTLI